The following is an entry in ClinVar:

NM_000390.4(CHM):c.1505_1506del (p.Gly502fs)

Gene: CHM (CHM Rab escort protein; minus strand). Cytogenetic location: Xq21.2.
Variant type: Deletion.
Coding change: c.1505_1506del on transcript NM_000390.4 (MANE Select); coding-DNA positions 1505 to 1506, 2 bases deleted (GC; older notation c.1505_1506delGC).
Protein change: p.Gly502fs; shifts the reading frame from glycine 502.
Molecular consequence: frameshift variant.
Genome position (GRCh38, 1-based): chrX:85,894,192-85,894,193, GC deleted on the plus strand (GC on the coding strand, the reverse complement: CHM is on the minus strand). VCF-style (leftmost placement, unchanged base first): chrX-85894191-TGC-T. GRCh37 (hg19) VCF-style: chrX-85149196-TGC-T.
Other names: c.1061_1062del, p.Gly354fs (NM_001320959.1, NM_001362517.1, NM_001362518.2 and 1 more transcripts); short protein forms G354fs, G502fs.
Identifiers: ClinVar variation 2755369 (VCV002755369.3), dbSNP rs2520071379, ClinGen allele CA2697553343.

ClinVar aggregate classification (germline): Pathogenic (1 of 4 stars; one submission).

Submission:

Labcorp Genetics (formerly Invitae), Labcorp
Classification: Pathogenic. Last evaluated: 2023-08-27. Review status: criteria provided, single submitter. Criteria: Invitae Variant Classification Sherloc (09022015). Collection method: clinical testing. Allele origin: germline.
Comment: This sequence change creates a premature translational stop signal (p.Gly502Aspfs*12) in the CHM gene. It is expected to result in an absent or disrupted protein product. Loss-of-function variants in CHM are known to be pathogenic (PMID: 9067750, 23811034). This variant is not present in population databases (gnomAD no frequency). This variant has not been reported in the literature in individuals affected with CHM-related conditions. For these reasons, this variant has been classified as Pathogenic.

Literature cited by the submitters: PubMed 9067750; PubMed 23811034.